The following is an entry in ClinVar:

NM_005562.3(LAMC2):c.508C>T (p.Arg170Ter)

Gene: LAMC2 (laminin subunit gamma 2; plus strand). Cytogenetic location: 1q25.3.
Variant type: single nucleotide variant.
Coding change: c.508C>T on transcript NM_005562.3 (MANE Select); coding-DNA position 508, C replaced by T.
Protein change: p.Arg170Ter; replaces arginine 170 with a stop codon.
Molecular consequence: nonsense.
Genome position (GRCh38, 1-based): chr1:183,220,829, C>T. VCF-style: chr1-183220829-C-T. GRCh37 (hg19) VCF-style: chr1-183189964-C-T.
Other names: c.508C>T, p.Arg170Ter (NM_018891.3); short protein forms R170*.
Identifiers: ClinVar variation 836408 (VCV000836408.15), dbSNP rs781458974, ClinGen allele CA1282358.

ClinVar aggregate classification (germline): Pathogenic/Likely pathogenic. Review status: criteria provided, multiple submitters, no conflicts (2 of 4 stars). 4 submissions from 4 submitters: Pathogenic (2); Likely pathogenic (2). Last evaluated 2025-05-28.

Conditions:
Junctional epidermolysis bullosa. Identifiers: Orphanet 305, MedGen C0079301, MONDO:0017612.
LAMC2-related disorder. Also called: LAMC2-related condition.

Allele frequency attached by ClinVar (database versions not stated): gnomAD exomes below 0.00001 and 0.00001; ExAC 0.00002.
gnomAD v4.1: 4 of 1,613,786 alleles (0.00025%); highest among the groups gnomAD compares: Non-Finnish European, 0.00025%; no homozygotes.

Submissions (4):

Women's Health and Genetics/Laboratory Corporation of America, LabCorp
Classification: Pathogenic for Junctional epidermolysis bullosa. Last evaluated: 2025-05-28. Review status: criteria provided, single submitter. Criteria: LabCorp Variant Classification Summary - May 2015. Collection method: clinical testing. Allele origin: germline.
Comment: Variant summary: LAMC2 c.508C>T (p.Arg170X) results in a premature termination codon, predicted to cause a truncation of the encoded protein or absence of the protein due to nonsense mediated decay, which are commonly known mechanisms for disease. The variant allele was found at a frequency of 8e-06 in 251412 control chromosomes. c.508C>T has been observed in individual(s) affected with Epidermolysis Bullosa (Vahidnezhad_2019). These data indicate that the variant may be associated with disease. To our knowledge, no experimental evidence demonstrating an impact on protein function has been reported. The following publication have been ascertained in the context of this evaluation (PMID: 29364557). ClinVar contains an entry for this variant (Variation ID: 836408). Based on the evidence outlined above, the variant was classified as pathogenic.

PreventionGenetics, part of Exact Sciences
Classification: Likely pathogenic for LAMC2-related condition. Last evaluated: 2024-11-18. Review status: criteria provided, single submitter. Criteria: ACMG Guidelines, 2015. Collection method: clinical testing. Allele origin: germline.
Comment: The LAMC2 c.508C>T variant is predicted to result in premature protein termination (p.Arg170*). This variant has been reported in an individual with Epidermolysis bullosa (Table S1, Vahidnezhad et al. 2018. PubMed ID: 29364557). This variant is reported in 0.0046% of alleles in individuals of European (Finnish) descent in gnomAD. Nonsense variants in LAMC2 are expected to be pathogenic. This variant is interpreted as likely pathogenic.

Labcorp Genetics (formerly Invitae), Labcorp
Classification: Pathogenic. Last evaluated: 2022-12-16. Review status: criteria provided, single submitter. Criteria: Invitae Variant Classification Sherloc (09022015). Collection method: clinical testing. Allele origin: germline.
Comment: For these reasons, this variant has been classified as Pathogenic. ClinVar contains an entry for this variant (Variation ID: 836408). This premature translational stop signal has been observed in individual(s) with epidermolysis bullosa (PMID: 29364557). This variant is present in population databases (rs781458974, gnomAD 0.004%). This sequence change creates a premature translational stop signal (p.Arg170*) in the LAMC2 gene. It is expected to result in an absent or disrupted protein product. Loss-of-function variants in LAMC2 are known to be pathogenic (PMID: 11907499, 16473856).

Revvity Omics, Revvity
Classification: Likely pathogenic. Last evaluated: 2021-04-13. Review status: criteria provided, single submitter. Criteria: ACMG Guidelines, 2015. Collection method: clinical testing. Allele origin: germline.

Literature cited by the submitters: PubMed 29364557 (cited by Women's Health and Genetics/Laboratory Corporation of America, LabCorp and Labcorp Genetics (formerly Invitae), Labcorp); PubMed 11907499 (cited by Labcorp Genetics (formerly Invitae), Labcorp); PubMed 16473856 (cited by Labcorp Genetics (formerly Invitae), Labcorp).